The following is an entry in ClinVar:

ClinVar aggregate classification (germline): Pathogenic (0 of 4 stars; one submission).

Conditions:
Steinert myotonic dystrophy syndrome (DM1). Also called: STEINERT DISEASE; Myotonic dystrophy type 1; Dystrophia myotonica type 1; Steinert myotonic dystrophy; Steinert's disease. Identifiers: Orphanet 273, MedGen C3250443, MONDO:0008056, OMIM 160900.

Submission:

Institute of Molecular, Cell and Systems Biology, University of Glasgow
Classification: Pathogenic for Steinert myotonic dystrophy syndrome. Review status: no assertion criteria provided. Criteria: research. Collection method: research. Allele origin: germline. Inheritance: Autosomal dominant inheritance. Affected: no. Observed: 1 heterozygote.
Comment: DMPK CTG repeat expansions greater than approximately 45-50 repeats are assumed to be pathogenic

This record is based on data published in PubMed 25052313, which reports only ClinVar accessions SCV000120188 and SCV000120189. The complete data set includes SCV000207445 - SCV000207579.

Literature cited by the submitters: PubMed 1346923; PubMed 1546326; PubMed 25052313.

NM_004409.5(DMPK):c.*224CTG[98]

Genes: DM1-AS (DM1 locus antisense RNA; plus strand), DMPK (DM1 protein kinase; minus strand), LOC107075317 (origin of replication in DMPK trinucleotide repeat region; plus strand), LOC109461477 (dystrophia myotonica protein kinase repeat instability region; plus strand). Cytogenetic location: 19q13.32.
Variant type: Microsatellite.
Coding change: c.*224CTG[98] on transcript NM_004409.5 (MANE Select); 98 copies in a row of the 3-base unit CTG starting at c.*224.
Molecular consequence: 3 prime UTR variant.
Genome position: GRCh38, VCF-style position (the base before the change): chr19:45,770,204. GRCh37 (hg19), VCF-style position (the base before the change): chr19:46,273,462.
Other names: DM1 CTG repeat expansion; c.*369CTG[98] (NM_001424164.1, NM_001288766.2, NM_001424168.1); c.*224CTG[98] (NM_001424165.1, NM_001081560.3, NM_001288764.2 and 1 more transcripts); c.*217CTG[98] (NM_001424166.1, NM_001081562.3, NM_001288765.2 and 2 more transcripts); c.*222_*224TGC[98] (NM_001081563.3).
Identifiers: ClinVar variation 188043 (VCV000188043.1), ClinGen allele CA915951875.